The following is an entry in ClinVar:

ClinVar aggregate classification (germline): Likely pathogenic (1 of 4 stars; one submission).

Submission:

Labcorp Genetics (formerly Invitae), Labcorp
Classification: Likely pathogenic. Last evaluated: 2020-08-14. Review status: criteria provided, single submitter. Criteria: Invitae Variant Classification Sherloc (09022015). Collection method: clinical testing. Allele origin: germline.
Comment: This sequence change replaces leucine with proline at codon 86 of the SPOP protein (p.Leu86Pro). The leucine residue is highly conserved and there is a moderate physicochemical difference between leucine and proline. This variant is not present in population databases (ExAC no frequency). This variant has been observed in individual(s) with clinical features of SPOP-related conditions (Invitae). In at least one individual the variant was observed to be de novo. Algorithms developed to predict the effect of missense changes on protein structure and function (SIFT, PolyPhen-2, Align-GVGD) all suggest that this variant is likely to be disruptive, but these predictions have not been confirmed by published functional studies and their clinical significance is uncertain. In summary, the currently available evidence indicates that the variant is pathogenic, but additional data are needed to prove that conclusively. Therefore, this variant has been classified as Likely Pathogenic.

NM_001007228.2(SPOP):c.257T>C (p.Leu86Pro)

Gene: SPOP (speckle type BTB/POZ protein; minus strand). Cytogenetic location: 17q21.33.
Variant type: single nucleotide variant.
Coding change: c.257T>C on transcript NM_001007228.2 (MANE Select); coding-DNA position 257, T replaced by C.
Protein change: p.Leu86Pro; replaces leucine 86 with proline.
Molecular consequence: missense variant.
Genome position (GRCh38, 1-based): chr17:49,619,329, A>G on the plus strand (T>C on the coding strand, the complement: SPOP is on the minus strand). VCF-style: chr17-49619329-A-G. GRCh37 (hg19) VCF-style: chr17-47696691-A-G.
Other names: c.257T>C, p.Leu86Pro (NM_001007226.1, NM_001007227.1, NM_001007229.1 and 5 more transcripts); short protein forms L86P.
Identifiers: ClinVar variation 1067938 (VCV001067938.9), dbSNP rs2143272293, ClinGen allele CA400157018.
Genomic context (GRCh38, chr17:49,619,329, plus strand): 5'-ATGGAGAATTTGAATTTTGCCCGAACTTCACTCTTTGGACAGCTGACCAGTAACAGGTAA[A>G]GTGACAGGTAATCTTTGCTTTCTTCATCTAACCCTTTGGGGTTTACTCGCAAACACCTGT-3'
Protein context (NP_001007229.1, residues 76-96): LDEESKDYLS[Leu86Pro]YLLLVSCPKS